The following is an entry in ClinVar:

NM_006767.4(LZTR1):c.1150-1G>T

Gene: LZTR1 (leucine zipper like post translational regulator 1; plus strand). Cytogenetic location: 22q11.21.
Variant type: single nucleotide variant.
Coding change: c.1150-1G>T on transcript NM_006767.4 (MANE Select); the canonical splice acceptor site of the intron before coding-DNA position 1150, G replaced by T.
Molecular consequence: splice acceptor variant.
Genome position (GRCh38, 1-based): chr22:20,992,793, G>T. VCF-style: chr22-20992793-G-T. GRCh37 (hg19) VCF-style: chr22-21347082-G-T.
Identifiers: ClinVar variation 1733854 (VCV001733854.5), dbSNP rs2518618734, ClinGen allele CA410773598.

ClinVar aggregate classification (germline): Likely pathogenic. Review status: criteria provided, multiple submitters, no conflicts (2 of 4 stars). 2 submissions from 2 submitters: Likely pathogenic (2). Last evaluated 2026-04-02.

Conditions:
Cardiovascular phenotype. Identifiers: MedGen CN230736.
Hereditary cancer-predisposing syndrome. Also called: Neoplastic Syndromes, Hereditary; Tumor predisposition; Hereditary Cancer Syndrome; Hereditary neoplastic syndrome. Identifiers: Orphanet 140162, MedGen C0027672, MeSH D009386, MONDO:0015356.

Submissions (2):

Ambry Genetics
Classification: Likely pathogenic for Cardiovascular phenotype; Hereditary cancer-predisposing syndrome. Last evaluated: 2026-04-02. Review status: criteria provided, single submitter. Criteria: Ambry Variant Classification Scheme 2023. Collection method: clinical testing. Allele origin: germline.
Comment: The c.1150-1G>T intronic variant results from a G to T substitution one nucleotide upstream from coding exon 11 of the LZTR1 gene. This variant is considered to be rare based on population cohorts in the Genome Aggregation Database (gnomAD). This nucleotide position is highly conserved in available vertebrate species. In silico splice site analysis predicts that this alteration will weaken the native splice acceptor site and will result in the creation or strengthening of a novel splice acceptor site. Alterations that disrupt the canonical splice site are expected to cause aberrant splicing, resulting in an abnormal protein or a transcript that is subject to nonsense-mediated mRNA decay. Loss-of-function variants in LZTR1 are related to an increased risk for schwannomas and autosomal recessive Noonan syndrome; however, such associations with autosomal dominant Noonan syndrome have not been observed (Piotrowski A et al. Nat Genet. 2014 Feb;46:182-7; Yamamoto GL et al. J Med Genet. 2015 Jun;52:413-21; Johnston JJ et al. Genet Med. 2018 10;20:1175-1185). Based on the supporting evidence, this variant is likely pathogenic for an increased risk of LZTR1-related schwannomatosis (SWN) and would be expected to cause autosomal recessive Noonan syndrome when present along with a second pathogenic or likely pathogenic variant on the other allele; however, the association of this variant with autosomal dominant Noonan syndrome is unlikely.

Labcorp Genetics (formerly Invitae), Labcorp
Classification: Likely pathogenic. Last evaluated: 2024-06-18. Review status: criteria provided, single submitter. Criteria: Invitae Variant Classification Sherloc (09022015). Collection method: clinical testing. Allele origin: germline.
Comment: This sequence change affects an acceptor splice site in intron 10 of the LZTR1 gene. It is expected to disrupt RNA splicing. Variants that disrupt the donor or acceptor splice site typically lead to a loss of protein function (PMID: 16199547), and loss-of-function variants in LZTR1 are known to be pathogenic (PMID: 24362817, 25335493, 25480913, 25795793, 29469822, 30368668, 30442762, 30442766, 30481304, 30859559). This variant is not present in population databases (gnomAD no frequency). This variant has not been reported in the literature in individuals affected with LZTR1-related conditions. ClinVar contains an entry for this variant (Variation ID: 1733854). Algorithms developed to predict the effect of sequence changes on RNA splicing suggest that this variant may disrupt the consensus splice site. In summary, the currently available evidence indicates that the variant is pathogenic, but additional data are needed to prove that conclusively. Therefore, this variant has been classified as Likely Pathogenic.

Literature cited by the submitters: PubMed 16199547 (cited by Labcorp Genetics (formerly Invitae), Labcorp); PubMed 24362817 (cited by Labcorp Genetics (formerly Invitae), Labcorp); PubMed 25335493 (cited by Labcorp Genetics (formerly Invitae), Labcorp); PubMed 25480913 (cited by Labcorp Genetics (formerly Invitae), Labcorp); PubMed 25795793 (cited by Labcorp Genetics (formerly Invitae), Labcorp); PubMed 29469822 (cited by Labcorp Genetics (formerly Invitae), Labcorp); PubMed 30368668 (cited by Labcorp Genetics (formerly Invitae), Labcorp); PubMed 30442762 (cited by Labcorp Genetics (formerly Invitae), Labcorp); PubMed 30442766 (cited by Labcorp Genetics (formerly Invitae), Labcorp); PubMed 30481304 (cited by Labcorp Genetics (formerly Invitae), Labcorp); PubMed 30859559 (cited by Labcorp Genetics (formerly Invitae), Labcorp).